The following is an entry in ClinVar:

NM_007294.4(BRCA1):c.1208C>T (p.Ser403Phe)

Gene: BRCA1 (BRCA1 DNA repair associated; minus strand). Cytogenetic location: 17q21.31.
Variant type: single nucleotide variant.
Coding change: c.1208C>T on transcript NM_007294.4 (MANE Select); coding-DNA position 1208, C replaced by T.
Protein change: p.Ser403Phe; replaces serine 403 with phenylalanine.
Molecular consequence: missense variant. On other transcripts: intron variant (137).
Genome position (GRCh38, 1-based): chr17:43,094,323, G>A on the plus strand (C>T on the coding strand, the complement: BRCA1 is on the minus strand). VCF-style: chr17-43094323-G-A. GRCh37 (hg19) VCF-style: chr17-41246340-G-A.
Other names: c.995C>T, p.Ser332Phe (NM_001407571.1, NM_001407853.1, NM_001407894.1 and 9 more transcripts); c.1208C>T, p.Ser403Phe (NM_001407581.1, NM_001407582.1, NM_001407583.1 and 30 more transcripts); c.1205C>T, p.Ser402Phe (NM_001407587.1, NM_001407590.1, NM_001407591.1 and 22 more transcripts); c.1199C>T, p.Ser400Phe (NM_001407646.1, NM_001407647.1); c.1085C>T, p.Ser362Phe (NM_001407648.1, NM_001407664.1, NM_001407665.1 and 19 more transcripts); c.1082C>T, p.Ser361Phe (NM_001407649.1, NM_001407670.1, NM_001407671.1 and 11 more transcripts); c.1130C>T, p.Ser377Phe (NM_001407653.1, NM_001407654.1, NM_001407655.1 and 4 more transcripts); c.1127C>T, p.Ser376Phe (NM_001407659.1, NM_001407660.1, NM_001407661.1 and 1 more transcripts); and 40 more; short protein forms S403F, S356F, S315F, S400F, S332F, S335F, S336F, S355F.
Identifiers: ClinVar variation 54163 (VCV000054163.5), dbSNP rs80356934, ClinGen allele CA000795.
Genomic context (GRCh38, chr17:43,094,323, plus strand): 5'-GAATATTCATCTACCTCATTTAGAACGTCCAATACATCAGCTACTTTGGCATTTGATTCA[G>A]ACTCCCCATCATGTGAGTCATCAGAACCTAACAGTTCATCACTTCTGGAAAACCACTCAT-3'
Protein context (NP_009225.1, residues 393-413): LGSDDSHDGE[Ser403Phe]ESNAKVADVL

ClinVar aggregate classification (germline): Likely benign. Review status: criteria provided, single submitter (1 of 4 stars). 2 submissions from 2 submitters: Likely benign (1). 1 of the submissions does not count toward it. Last evaluated 2023-03-23.

Conditions:
Hereditary cancer-predisposing syndrome. Also called: Tumor predisposition; Neoplastic Syndromes, Hereditary; Hereditary Cancer Syndrome; Hereditary neoplastic syndrome. Identifiers: Orphanet 140162, MedGen C0027672, MeSH D009386, MONDO:0015356.
Breast-ovarian cancer, familial, susceptibility to, 1 (BROVCA1). Also called: OVARIAN CANCER, SUSCEPTIBILITY TO; BRCA1 Hereditary Breast and Ovarian Cancer. Identifiers: Orphanet 145, MedGen C2676676, MONDO:0011450, OMIM 604370. Disease mechanism: loss of function.

Submissions (2):

University of Washington Department of Laboratory Medicine, University of Washington
Classification: Likely benign for Hereditary cancer-predisposing syndrome. Last evaluated: 2023-03-23. Review status: criteria provided, single submitter. Criteria: Dines et al. (Genet Med. 2020). Collection method: curation. Allele origin: germline.
Comment: Missense variant in a coldspot region where missense variants are very unlikely to be pathogenic (PMID:31911673).

BRCA1 coldspot (exon 11 using historical exon numbering). Reclassification based on statistical prior probability

Breast Cancer Information Core (BIC) (BRCA1)
Classification: Uncertain significance for Breast-ovarian cancer, familial 1. Review status: no assertion criteria provided. Collection method: clinical testing. Allele origin: germline. Affected: yes. Observed: 1 variant allele. Not counted in ClinVar's aggregate classification.